The following is an entry in ClinVar:

NM_017721.5(CC2D1A):c.2454+8C>T

Gene: CC2D1A (coiled-coil and C2 domain containing 1A; plus strand). Cytogenetic location: 19p13.12.
Variant type: single nucleotide variant.
Coding change: c.2454+8C>T on transcript NM_017721.5 (MANE Select); 8 bases into the intron after coding-DNA position 2454, C replaced by T.
Molecular consequence: intron variant.
Genome position (GRCh38, 1-based): chr19:13,928,038, C>T. VCF-style: chr19-13928038-C-T. GRCh37 (hg19) VCF-style: chr19-14038851-C-T.
Other names: c.2454+8C>T (NM_001411138.1).
Identifiers: ClinVar variation 2571033 (VCV002571033.30), dbSNP rs200218466, ClinGen allele CA9245067.

ClinVar aggregate classification (germline): Likely benign. Review status: criteria provided, multiple submitters, no conflicts (2 of 4 stars). 2 submissions from 2 submitters: Likely benign (2). Last evaluated 2023-11-06.

Allele frequency attached by ClinVar (database versions not stated): ExAC 0.00002.

Submissions (2):

Labcorp Genetics (formerly Invitae), Labcorp
Classification: Likely benign. Last evaluated: 2023-11-06. Review status: criteria provided, single submitter. Criteria: Invitae Variant Classification Sherloc (09022015). Collection method: clinical testing. Allele origin: germline.

CeGaT Center for Human Genetics Tuebingen
Classification: Likely benign. Last evaluated: 2023-04-01. Review status: criteria provided, single submitter. Criteria: CeGaT Center For Human Genetics Tuebingen Variant Classification Criteria Version 2. Collection method: clinical testing. Allele origin: germline. Affected: yes. Observed: 1 variant allele.
Comment: CC2D1A: BP4